The following is an entry in ClinVar:

NM_001292063.2(OTOG):c.6104A>G (p.Asn2035Ser)

Gene: OTOG (otogelin; plus strand). Cytogenetic location: 11p15.1.
Variant type: single nucleotide variant.
Coding change: c.6104A>G on transcript NM_001292063.2 (MANE Select); coding-DNA position 6104, A replaced by G.
Protein change: p.Asn2035Ser; replaces asparagine 2035 with serine.
Molecular consequence: missense variant.
Genome position (GRCh38, 1-based): chr11:17,611,404, A>G. VCF-style: chr11-17611404-A-G. GRCh37 (hg19) VCF-style: chr11-17632951-A-G.
Other names: c.6140A>G, p.Asn2047Ser (NM_001277269.2); short protein forms N2047S, N2035S.
Identifiers: ClinVar variation 2783504 (VCV002783504.3), dbSNP rs1305194294, ClinGen allele CA379802549.

ClinVar aggregate classification (germline): Uncertain significance (1 of 4 stars; one submission).

Allele frequency attached by ClinVar (database versions not stated): TOPMed below 0.00001; gnomAD 0.00001; gnomAD exomes below 0.00001.
gnomAD v4.1: 2 of 1,531,580 alleles (0.00013%); highest among the groups gnomAD compares: East Asian, 0.0025%; no homozygotes.

Submission:

Labcorp Genetics (formerly Invitae), Labcorp
Classification: Uncertain significance. Last evaluated: 2023-08-07. Review status: criteria provided, single submitter. Criteria: Invitae Variant Classification Sherloc (09022015). Collection method: clinical testing. Allele origin: germline.
Comment: This sequence change replaces asparagine, which is neutral and polar, with serine, which is neutral and polar, at codon 2047 of the OTOG protein (p.Asn2047Ser). This variant is not present in population databases (gnomAD no frequency). This variant has not been reported in the literature in individuals affected with OTOG-related conditions. Algorithms developed to predict the effect of missense changes on protein structure and function output the following: SIFT: "Not Available"; PolyPhen-2: "Benign"; Align-GVGD: "Not Available". The serine amino acid residue is found in multiple mammalian species, which suggests that this missense change does not adversely affect protein function. In summary, the available evidence is currently insufficient to determine the role of this variant in disease. Therefore, it has been classified as a Variant of Uncertain Significance.